The following is an entry in ClinVar:

ClinVar aggregate classification (germline): Conflicting classifications of pathogenicity. Review status: criteria provided, conflicting classifications (1 of 4 stars). 3 submissions from 3 submitters: Uncertain significance (1); Likely benign (2). Last evaluated 2026-06-01.

Conditions:
Neurofibromatosis, type 1 (NF1). Also called: VON RECKLINGHAUSEN DISEASE; NEUROFIBROMATOSIS, TYPE I, SOMATIC; Peripheral type neurofibromatosis; Neurofibromatosis, type I. Identifiers: Orphanet 636, MedGen C0027831, MONDO:0018975, OMIM 162200. Disease mechanism: loss of function.

Submissions (3):

CeGaT Center for Human Genetics Tuebingen
Classification: Likely benign. Last evaluated: 2026-06-01. Review status: criteria provided, single submitter. Criteria: CeGaT Center For Human Genetics Tuebingen Variant Classification Criteria Version 2. Collection method: clinical testing. Allele origin: germline. Affected: yes. Observed: 1 variant allele.
Comment: NF1: BP4, BS1

Dasa
Classification: Likely benign. Last evaluated: 2026-01-19. Review status: criteria provided, single submitter. Criteria: DASA Assertion Criteria. Collection method: clinical testing. Allele origin: germline.
Comment: NM_001042492.3(NF1):c.3198-7_3198-4del is a splice-region variant predicted to affect normal RNA splicing. Based on the available data, this variant is classified as likely benign.

Genome Diagnostics Laboratory, The Hospital for Sick Children
Classification: Uncertain significance for Neurofibromatosis, type 1. Last evaluated: 2020-10-26. Review status: criteria provided, single submitter. Criteria: ACMG Guidelines, 2015. Collection method: clinical testing. Allele origin: germline. Affected: yes.

NM_001042492.3(NF1):c.3198-7_3198-4del

Gene: NF1 (neurofibromin 1; plus strand). Cytogenetic location: 17q11.2.
Variant type: Deletion.
Coding change: c.3198-7_3198-4del on transcript NM_001042492.3 (MANE Select); 7 bases into the intron before coding-DNA position 3198 through 4 bases into the intron before coding-DNA position 3198, 4 bases deleted (TTTT; older notation c.3198-7_3198-4delTTTT).
Molecular consequence: intron variant.
Genome position (GRCh38, 1-based): chr17:31,232,066-31,232,069, TTTT deleted; deleting any 4 consecutive bases within chr17:31,232,044-31,232,069 gives the same sequence; the c. name uses the placement nearest the transcript's 3' end. VCF-style (leftmost placement, unchanged base first): chr17-31232043-ATTTT-A. GRCh37 (hg19) VCF-style: chr17-29559061-ATTTT-A.
Other names: c.3198-7_3198-4delTTTT (NM_000267.3); c.3198-7_3198-4del (NM_000267.4).
Identifiers: ClinVar variation 996496 (VCV000996496.6), dbSNP rs371047262, ClinGen allele CA728034524.